The following is an entry in ClinVar:

ClinVar aggregate classification (germline): Uncertain significance (1 of 4 stars; one submission).

Submission:

CeGaT Center for Human Genetics Tuebingen
Classification: Uncertain significance. Last evaluated: 2023-02-01. Review status: criteria provided, single submitter. Criteria: CeGaT Center For Human Genetics Tuebingen Variant Classification Criteria Version 2. Collection method: clinical testing. Allele origin: germline. Affected: yes. Observed: 1 variant allele.
Comment: ASH1L: PM2, BP4

NM_018489.3(ASH1L):c.-3G>C

Gene: ASH1L (ASH1 like histone lysine methyltransferase; minus strand). Cytogenetic location: 1q22.
Variant type: single nucleotide variant.
Coding change: c.-3G>C on transcript NM_018489.3 (MANE Select); 3 bases upstream of the start codon, G replaced by C.
Molecular consequence: 5 prime UTR variant.
Genome position (GRCh38, 1-based): chr1:155,521,522, C>G on the plus strand (G>C on the coding strand, the complement: ASH1L is on the minus strand). VCF-style: chr1-155521522-C-G. GRCh37 (hg19) VCF-style: chr1-155491313-C-G.
Other names: c.-3G>C (NM_001366177.2).
Identifiers: ClinVar variation 2498429 (VCV002498429.28), dbSNP rs2524746691, ClinGen allele CA2580061135.